The following is an entry in ClinVar:

NM_000245.4(MET):c.1942_1944delinsAAG (p.Gln648Lys)

Gene: MET (MET proto-oncogene, receptor tyrosine kinase; plus strand). Cytogenetic location: 7q31.2.
Variant type: Indel.
Coding change: c.1942_1944delinsAAG on transcript NM_000245.4 (MANE Select); coding-DNA positions 1942 to 1944, CAA replaced by AAG.
Protein change: p.Gln648Lys; replaces glutamine 648 with lysine.
Molecular consequence: missense variant.
Genome position (GRCh38, 1-based): chr7:116,757,516-116,757,518, CAA replaced by AAG. VCF-style: chr7-116757516-CAA-AAG. GRCh37 (hg19) VCF-style: chr7-116397570-CAA-AAG.
Other names: c.1942_1944delinsAAG, p.Gln648Lys (NM_001127500.3, NM_001324401.3); c.652_654delinsAAG, p.Gln218Lys (NM_001324402.2); short protein forms Q218K, Q648K.
Identifiers: ClinVar variation 4053938 (VCV004053938.1).

ClinVar aggregate classification (germline): Uncertain significance (1 of 4 stars; one submission).

Conditions:
Hereditary cancer-predisposing syndrome. Also called: Neoplastic Syndromes, Hereditary; Tumor predisposition; Hereditary neoplastic syndrome; Hereditary Cancer Syndrome. Identifiers: Orphanet 140162, MedGen C0027672, MeSH D009386, MONDO:0015356.

Submission:

Ambry Genetics
Classification: Uncertain significance for Hereditary cancer-predisposing syndrome. Last evaluated: 2025-05-01. Review status: criteria provided, single submitter. Criteria: Ambry Variant Classification Scheme 2023. Collection method: clinical testing. Allele origin: germline.
Comment: The c.1942_1944delCAAinsAAG variant (also known as p.Q648K), located in coding exon 6 of the MET gene, results from an in-frame deletion of CAA and insertion of AAG at nucleotide positions 1942 to 1944. This results in the substitution of the glutamine residue for a lysine residue at codon 648, an amino acid with similar properties. This amino acid position is not well conserved in available vertebrate species. In addition, this alteration is predicted to be neutral by in silico analysis (Choi Y et al. PLoS ONE. 2012; 7(10):e46688). Since supporting evidence is limited at this time, the clinical significance of this alteration remains unclear.